The following is an entry in ClinVar:

ClinVar aggregate classification (germline): Uncertain significance. Review status: criteria provided, multiple submitters, no conflicts (2 of 4 stars). 2 submissions from 2 submitters: Uncertain significance (2). Last evaluated 2025-08-30.

Conditions:
Emery-Dreifuss muscular dystrophy (EDMD). Also called: Scapuloperoneal syndrome, X-linked (formerly); Humeroperoneal neuromuscular disease, (formerly). Identifiers: Orphanet 261, MedGen C0410189, MONDO:0016830.

Allele frequency attached by ClinVar (database versions not stated): ExAC 0.00002; gnomAD 0.00003; TOPMed 0.00003; gnomAD exomes 0.00004; ESP Exome Variant Server 0.00008.
gnomAD v4.1: 68 of 1,614,000 alleles (0.0042%); highest among the groups gnomAD compares: Non-Finnish European, 0.0047%; no homozygotes.

Submissions (2):

Labcorp Genetics (formerly Invitae), Labcorp
Classification: Uncertain significance for Emery-Dreifuss muscular dystrophy. Last evaluated: 2025-08-30. Review status: criteria provided, single submitter. Criteria: Invitae Variant Classification Sherloc (09022015). Collection method: clinical testing. Allele origin: germline.
Comment: This sequence change replaces glutamic acid, which is acidic and polar, with lysine, which is basic and polar, at codon 77 of the SUN2 protein (p.Glu77Lys). This variant is present in population databases (rs141299919, gnomAD 0.004%). This variant has not been reported in the literature in individuals affected with SUN2-related conditions. ClinVar contains an entry for this variant (Variation ID: 2063144). An algorithm developed to predict the effect of missense changes on protein structure and function (PolyPhen-2) suggests that this variant is likely to be disruptive. In summary, the available evidence is currently insufficient to determine the role of this variant in disease. Therefore, it has been classified as a Variant of Uncertain Significance.

Ambry Genetics
Classification: Uncertain significance. Last evaluated: 2022-09-29. Review status: criteria provided, single submitter. Criteria: Ambry Variant Classification Scheme 2023. Collection method: clinical testing. Allele origin: germline.

NM_015374.3(SUN2):c.229G>A (p.Glu77Lys)

Gene: SUN2 (Sad1 and UNC84 domain containing 2; minus strand). Cytogenetic location: 22q13.1.
Variant type: single nucleotide variant.
Coding change: c.229G>A on transcript NM_015374.3 (MANE Select); coding-DNA position 229, G replaced by A.
Protein change: p.Glu77Lys; replaces glutamic acid 77 with lysine.
Molecular consequence: missense variant. On other transcripts: intron variant (1).
Genome position (GRCh38, 1-based): chr22:38,751,267, C>T on the plus strand (G>A on the coding strand, the complement: SUN2 is on the minus strand). VCF-style: chr22-38751267-C-T. GRCh37 (hg19) VCF-style: chr22-39147272-C-T.
Other names: c.229G>A, p.Glu77Lys (NM_001199579.2, NM_001199580.2, NM_001394427.1 and 16 more transcripts); c.122+1240G>A (NM_001394443.1); c.139G>A, p.Glu47Lys (NM_001394438.1); c.229G>A (NM_015374.2); short protein forms E47K, E77K.
Identifiers: ClinVar variation 2063144 (VCV002063144.5), dbSNP rs141299919, ClinGen allele CA10236054.